The following is an entry in ClinVar:

ClinVar aggregate classification (germline): Likely pathogenic (1 of 4 stars; one submission).

Conditions:
Ornithine aminotransferase deficiency (GACR). Also called: HYPERORNITHINEMIA WITH GYRATE ATROPHY OF CHOROID AND RETINA; OAT DEFICIENCY; OKT DEFICIENCY; Ornithine ketoacid aminotransferase deficiency; Gyrate atrophy; Gyrate atrophy of choroid and retina. Identifiers: Orphanet 414, MedGen C0018425, MONDO:0009796, OMIM 258870.

Allele frequency attached by ClinVar (database versions not stated): TOPMed below 0.00001.

Submission:

Labcorp Genetics (formerly Invitae), Labcorp
Classification: Likely pathogenic for Ornithine aminotransferase deficiency. Last evaluated: 2025-02-10. Review status: criteria provided, single submitter. Criteria: Invitae Variant Classification Sherloc (09022015). Collection method: clinical testing. Allele origin: germline.
Comment: This sequence change affects an acceptor splice site in intron 5 of the OAT gene. It is expected to disrupt RNA splicing. Variants that disrupt the donor or acceptor splice site typically lead to a loss of protein function (PMID: 16199547), and loss-of-function variants in OAT are known to be pathogenic (PMID: 1737786, 23076989). This variant is not present in population databases (gnomAD no frequency). This variant has not been reported in the literature in individuals affected with OAT-related conditions. ClinVar contains an entry for this variant (Variation ID: 1466429). Algorithms developed to predict the effect of sequence changes on RNA splicing suggest that this variant may disrupt the consensus splice site. In summary, the currently available evidence indicates that the variant is pathogenic, but additional data are needed to prove that conclusively. Therefore, this variant has been classified as Likely Pathogenic.

Literature cited by the submitters: PubMed 16199547; PubMed 1737786; PubMed 23076989.

NM_000274.4(OAT):c.649-1G>C

Genes: OAT (ornithine aminotransferase; minus strand), LOC121815974 (Sharpr-MPRA regulatory region 15365; plus strand). Cytogenetic location: 10q26.13.
Variant type: single nucleotide variant.
Coding change: c.649-1G>C on transcript NM_000274.4 (MANE Select); the canonical splice acceptor site of the intron before coding-DNA position 649, G replaced by C.
Molecular consequence: splice acceptor variant.
Genome position (GRCh38, 1-based): chr10:124,403,921, C>G on the plus strand (G>C on the coding strand, the complement: OAT is on the minus strand). VCF-style: chr10-124403921-C-G. GRCh37 (hg19) VCF-style: chr10-126092490-C-G.
Other names: c.649-1G>C (NM_001322965.2, NM_001322969.2, NM_001322966.2 and 3 more transcripts); c.235-1G>C (NM_001171814.2); c.49-1G>C (NM_001322974.2); c.328-1G>C (NM_001322971.2).
Identifiers: ClinVar variation 1466429 (VCV001466429.8), dbSNP rs551144161, ClinGen allele CA378635946.